The following is an entry in ClinVar:

NM_004360.5(CDH1):c.864C>G (p.Asp288Glu)

Gene: CDH1 (cadherin 1; plus strand). Cytogenetic location: 16q22.1.
Variant type: single nucleotide variant.
Coding change: c.864C>G on transcript NM_004360.5 (MANE Select); coding-DNA position 864, C replaced by G.
Protein change: p.Asp288Glu; replaces aspartic acid 288 with glutamic acid.
Molecular consequence: missense variant. On other transcripts: 5 prime UTR variant (2).
Genome position (GRCh38, 1-based): chr16:68,811,715, C>G. VCF-style: chr16-68811715-C-G. GRCh37 (hg19) VCF-style: chr16-68845618-C-G.
Other names: c.864C>G, p.Asp288Glu (NM_001317184.2); c.-752C>G (NM_001317185.2); c.-956C>G (NM_001317186.2); short protein forms D288E.
Identifiers: ClinVar variation 2822755 (VCV002822755.3), dbSNP rs1057520804, ClinGen allele CA396459601.

ClinVar aggregate classification (germline): Uncertain significance (1 of 4 stars; one submission).

Conditions:
Hereditary diffuse gastric adenocarcinoma (HDGC). Also called: DIFFUSE GASTRIC AND LOBULAR BREAST CANCER SYNDROME. Identifiers: Orphanet 26106, MedGen C1708349, MONDO:0007648, OMIM 137215.

gnomAD v4.1: 1 of 1,614,058 alleles (0.000062%); no homozygotes.

Submission:

Labcorp Genetics (formerly Invitae), Labcorp
Classification: Uncertain significance for Hereditary diffuse gastric adenocarcinoma. Last evaluated: 2022-12-20. Review status: criteria provided, single submitter. Criteria: Invitae Variant Classification Sherloc (09022015). Collection method: clinical testing. Allele origin: germline.
Comment: In summary, the available evidence is currently insufficient to determine the role of this variant in disease. Therefore, it has been classified as a Variant of Uncertain Significance. Algorithms developed to predict the effect of missense changes on protein structure and function (SIFT, PolyPhen-2, Align-GVGD) all suggest that this variant is likely to be disruptive. This variant has not been reported in the literature in individuals affected with CDH1-related conditions. This variant is not present in population databases (gnomAD no frequency). This sequence change replaces aspartic acid, which is acidic and polar, with glutamic acid, which is acidic and polar, at codon 288 of the CDH1 protein (p.Asp288Glu).